The following is an entry in ClinVar:

ClinVar aggregate classification (germline): Uncertain significance (1 of 4 stars; one submission).

Conditions:
Primary ciliary dyskinesia 30. Also called: CILIARY DYSKINESIA, PRIMARY, 30, WITH OR WITHOUT SITUS INVERSUS. Identifiers: Orphanet 244, MedGen C4015016, MONDO:0014465, OMIM 616037.

Allele frequency attached by ClinVar (database versions not stated): gnomAD 0.00001; gnomAD exomes 0.00001 and 0.00002; ExAC 0.00002; TOPMed 0.00002.
gnomAD v4.1: 10 of 1,614,018 alleles (0.00062%); highest among the groups gnomAD compares: Admixed American, 0.017%; no homozygotes.

Submission:

Labcorp Genetics (formerly Invitae), Labcorp
Classification: Uncertain significance for Primary ciliary dyskinesia 30. Last evaluated: 2018-07-03. Review status: criteria provided, single submitter. Criteria: Invitae Variant Classification Sherloc (09022015). Collection method: clinical testing. Allele origin: germline.
Comment: In summary, the available evidence is currently insufficient to determine the role of this variant in disease. Therefore, it has been classified as a Variant of Uncertain Significance. Algorithms developed to predict the effect of missense changes on protein structure and function are either unavailable or do not agree on the potential impact of this missense change (SIFT: "Deleterious"; PolyPhen-2: "Probably Damaging"; Align-GVGD: "Class C0"). This variant has not been reported in the literature in individuals with CCDC151-related disease. This variant is present in population databases (rs747949941, ExAC 0.03%). This sequence change replaces glycine with glutamic acid at codon 123 of the CCDC151 protein (p.Gly123Glu). The glycine residue is highly conserved and there is a moderate physicochemical difference between glycine and glutamic acid.

NM_145045.5(ODAD3):c.368G>A (p.Gly123Glu)

Gene: ODAD3 (outer dynein arm docking complex subunit 3; minus strand). Cytogenetic location: 19p13.2.
Variant type: single nucleotide variant.
Coding change: c.368G>A on transcript NM_145045.5 (MANE Select); coding-DNA position 368, G replaced by A.
Protein change: p.Gly123Glu; replaces glycine 123 with glutamic acid.
Molecular consequence: missense variant. On other transcripts: intron variant (1).
Genome position (GRCh38, 1-based): chr19:11,430,775, C>T on the plus strand (G>A on the coding strand, the complement: ODAD3 is on the minus strand). VCF-style: chr19-11430775-C-T. GRCh37 (hg19) VCF-style: chr19-11541595-C-T.
Other names: c.206G>A, p.Gly69Glu (NM_001302453.1); c.366+124G>A (NM_001302454.2); short protein forms G69E, G123E.
Identifiers: ClinVar variation 644395 (VCV000644395.7), dbSNP rs747949941, ClinGen allele CA9212425.